The following is an entry in ClinVar:

ClinVar aggregate classification (germline): Uncertain significance (1 of 4 stars; one submission).

Allele frequency attached by ClinVar (database versions not stated): gnomAD exomes below 0.00001; ExAC 0.00001; gnomAD 0.00001; TOPMed 0.00002.
gnomAD v4.1: 2 of 1,613,968 alleles (0.00012%); highest among the groups gnomAD compares: Admixed American, 0.0017%; no homozygotes.

Submission:

Labcorp Genetics (formerly Invitae), Labcorp
Classification: Uncertain significance. Last evaluated: 2022-11-15. Review status: criteria provided, single submitter. Criteria: Invitae Variant Classification Sherloc (09022015). Collection method: clinical testing. Allele origin: germline.
Comment: In summary, the available evidence is currently insufficient to determine the role of this variant in disease. Therefore, it has been classified as a Variant of Uncertain Significance. Algorithms developed to predict the effect of missense changes on protein structure and function are either unavailable or do not agree on the potential impact of this missense change (SIFT: "Deleterious"; PolyPhen-2: "Probably Damaging"; Align-GVGD: "Class C0"). ClinVar contains an entry for this variant (Variation ID: 1408998). This variant has not been reported in the literature in individuals affected with HSPG2-related conditions. This variant is present in population databases (rs764118295, gnomAD 0.007%). This sequence change replaces aspartic acid, which is acidic and polar, with asparagine, which is neutral and polar, at codon 3635 of the HSPG2 protein (p.Asp3635Asn).

NM_005529.7(HSPG2):c.10903G>A (p.Asp3635Asn)

Gene: HSPG2 (heparan sulfate proteoglycan 2; minus strand). Cytogenetic location: 1p36.12.
Variant type: single nucleotide variant.
Coding change: c.10903G>A on transcript NM_005529.7 (MANE Select); coding-DNA position 10903, G replaced by A.
Protein change: p.Asp3635Asn; replaces aspartic acid 3635 with asparagine.
Molecular consequence: missense variant.
Genome position (GRCh38, 1-based): chr1:21,833,542, C>T on the plus strand (G>A on the coding strand, the complement: HSPG2 is on the minus strand). VCF-style: chr1-21833542-C-T. GRCh37 (hg19) VCF-style: chr1-22160035-C-T.
Other names: c.10906G>A, p.Asp3636Asn (NM_001291860.2); short protein forms D3636N, D3635N.
Identifiers: ClinVar variation 1408998 (VCV001408998.6), dbSNP rs764118295, ClinGen allele CA669986.
Genomic context (GRCh38, chr1:21,833,542, plus strand): 5'-GGGCAAAGGCTTTGACCTTGCCCTGGCGGTTAGTGGCGGTGCAGACGTAGGTACCTGCGT[C>T]CTGGGGTCGGACTGAGGGCAGCATCAGCATGTTGTTCTCCAGGCGGCTGTCAGGTGGCAG-3'
Protein context (NP_005520.4, residues 3625-3645): MLMLPSVRPQ[Asp3635Asn]AGTYVCTATN